The following is an entry in ClinVar:

NM_001369369.1(FOXN1):c.927G>A (p.Lys309=)

Gene: FOXN1 (forkhead box N1; plus strand). Cytogenetic location: 17q11.2.
Variant type: single nucleotide variant.
Coding change: c.927G>A on transcript NM_001369369.1 (MANE Select); coding-DNA position 927, G replaced by A.
Protein change: p.Lys309=; no amino-acid change (lysine 309 retained).
Molecular consequence: synonymous variant.
Genome position (GRCh38, 1-based): chr17:28,530,845, G>A. VCF-style: chr17-28530845-G-A. GRCh37 (hg19) VCF-style: chr17-26857863-G-A.
Other names: c.927G>A, p.Lys309= (NM_003593.3).
Identifiers: ClinVar variation 2809429 (VCV002809429.3), dbSNP rs2508403270, ClinGen allele CA499088613.

ClinVar aggregate classification (germline): Uncertain significance (1 of 4 stars; one submission).

Conditions:
T-cell immunodeficiency, congenital alopecia, and nail dystrophy. Also called: Congenital alopecia and nail dystrophy associated with severe functional T-cell immunodeficiency; Pignata Guarino syndrome. Identifiers: Orphanet 169095, MedGen C1866426, MONDO:0011132, OMIM 601705.

Submission:

Labcorp Genetics (formerly Invitae), Labcorp
Classification: Uncertain significance for T-cell immunodeficiency, congenital alopecia, and nail dystrophy. Last evaluated: 2023-10-05. Review status: criteria provided, single submitter. Criteria: Invitae Variant Classification Sherloc (09022015). Collection method: clinical testing. Allele origin: germline.
Comment: This sequence change affects codon 309 of the FOXN1 mRNA. It is a 'silent' change, meaning that it does not change the encoded amino acid sequence of the FOXN1 protein. This variant also falls at the last nucleotide of exon 5, which is part of the consensus splice site for this exon. This variant is not present in population databases (gnomAD no frequency). This variant has not been reported in the literature in individuals affected with FOXN1-related conditions. Variants that disrupt the consensus splice site are a relatively common cause of aberrant splicing (PMID: 17576681, 9536098). Algorithms developed to predict the effect of sequence changes on RNA splicing suggest that this variant may disrupt the consensus splice site. In summary, the available evidence is currently insufficient to determine the role of this variant in disease. Therefore, it has been classified as a Variant of Uncertain Significance.

Literature cited by the submitters: PubMed 17576681; PubMed 9536098.